The following is an entry in ClinVar:

ClinVar aggregate classification (germline): Pathogenic. Review status: reviewed by expert panel (3 of 4 stars). 3 submissions from 3 submitters: Pathogenic (1). 2 of the submissions do not count toward it. Last evaluated 2017-12-15.

Conditions:
Hereditary breast ovarian cancer syndrome. Also called: Hereditary breast and ovarian cancer syndrome (HBOC); Hereditary breast and ovarian cancer syndrome; Hereditary breast and ovarian cancer; Hereditary breast and/or ovarian cancer syndrome; Breast and ovarian cancer; BRCA1- and BRCA2-Associated Hereditary Breast and Ovarian Cancer. Identifiers: Orphanet 145, MedGen C0677776, MeSH D061325, MONDO:0003582. Disease mechanism: loss of function.
Breast-ovarian cancer, familial, susceptibility to, 1 (BROVCA1). Also called: OVARIAN CANCER, SUSCEPTIBILITY TO; BRCA1 Hereditary Breast and Ovarian Cancer. Identifiers: Orphanet 145, MedGen C2676676, MONDO:0011450, OMIM 604370. Disease mechanism: loss of function.
Familial cancer of breast. Also called: Hereditary breast cancer; hereditary breast carcinoma; BREAST CANCER, FAMILIAL. Identifiers: Orphanet 227535, MedGen C0346153, MONDO:0016419, OMIM 114480. Disease mechanism: loss of function.

Submissions (3):

Evidence-based Network for the Interpretation of Germline Mutant Alleles (ENIGMA)
Classification: Pathogenic for Breast-ovarian cancer, familial, susceptibility to, 1. Last evaluated: 2017-12-15. Review status: reviewed by expert panel. Criteria: ENIGMA BRCA1/2 Classification Criteria (2017-06-29). Collection method: curation. Allele origin: germline. Study: ENIGMA.
Comment: Variant allele predicted to encode a truncated non-functional protein.

Labcorp Genetics (formerly Invitae), Labcorp
Classification: Pathogenic for Hereditary breast ovarian cancer syndrome. Last evaluated: 2022-11-06. Review status: criteria provided, single submitter. Criteria: Invitae Variant Classification Sherloc (09022015). Collection method: clinical testing. Allele origin: germline. Not counted in ClinVar's aggregate classification.
Comment: This sequence change creates a premature translational stop signal (p.Ser868*) in the BRCA1 gene. It is expected to result in an absent or disrupted protein product. Loss-of-function variants in BRCA1 are known to be pathogenic (PMID: 20104584). This variant is not present in population databases (gnomAD no frequency). This premature translational stop signal has been observed in individual(s) with clinical features of hereditary breast and ovarian cancer syndrome (PMID: 17851763, 26681312). This variant is also known as 2722C>A. ClinVar contains an entry for this variant (Variation ID: 54616). For these reasons, this variant has been classified as Pathogenic.

ClinVar Staff, National Center for Biotechnology Information (NCBI)
No classification provided. Condition: Familial cancer of breast. Review status: no classification provided. Collection method: literature only. Allele origin: germline. Affected: yes. Not counted in ClinVar's aggregate classification.

Literature cited by the submitters: PubMed 20104584 (cited by Labcorp Genetics (formerly Invitae), Labcorp); PubMed 17851763 (cited by Labcorp Genetics (formerly Invitae), Labcorp and ClinVar Staff, National Center for Biotechnology Information (NCBI)); PubMed 26681312 (cited by Labcorp Genetics (formerly Invitae), Labcorp).

NM_007294.4(BRCA1):c.2603C>A (p.Ser868Ter)

Gene: BRCA1 (BRCA1 DNA repair associated; minus strand). Cytogenetic location: 17q21.31.
Variant type: single nucleotide variant.
Coding change: c.2603C>A on transcript NM_007294.4 (MANE Select); coding-DNA position 2603, C replaced by A.
Protein change: p.Ser868Ter; replaces serine 868 with a stop codon.
Molecular consequence: nonsense. On other transcripts: intron variant (137).
Genome position (GRCh38, 1-based): chr17:43,092,928, G>T on the plus strand (C>A on the coding strand, the complement: BRCA1 is on the minus strand). VCF-style: chr17-43092928-G-T. GRCh37 (hg19) VCF-style: chr17-41244945-G-T.
Other names: c.2393C>A, p.Ser798Ter (NM_001407900.1, NM_001407902.1, NM_001407904.1 and 13 more transcripts); c.2390C>A, p.Ser797Ter (NM_001407915.1, NM_001407916.1, NM_001407917.1 and 9 more transcripts); c.2480C>A, p.Ser827Ter (NM_001407919.1, NM_001407937.1, NM_001407938.1 and 19 more transcripts); c.2339C>A, p.Ser780Ter (NM_001407920.1, NM_001407921.1, NM_001407922.1 and 9 more transcripts); c.2336C>A, p.Ser779Ter (NM_001407930.1, NM_001407931.1, NM_001407932.1 and 2 more transcripts); c.2477C>A, p.Ser826Ter (NM_001407940.1, NM_001407941.1, NM_001407649.1 and 11 more transcripts); c.2462C>A, p.Ser821Ter (NM_001407942.1, NM_001407944.1, NM_001407945.1 and 29 more transcripts); c.2459C>A, p.Ser820Ter (NM_001407943.1, NM_001407964.1, NM_001407740.1 and 20 more transcripts); and 41 more; short protein forms S868*, S821*, S741*, S780*, S801*, S827*, S841*, S867*.
Identifiers: ClinVar variation 54616 (VCV000054616.6), dbSNP rs80356925, ClinGen allele CA001713.